The following is an entry in ClinVar:

ClinVar aggregate classification (germline): Likely pathogenic (1 of 4 stars; one submission).

Conditions:
Deeah syndrome. Also called: DEVELOPMENTAL DELAY WITH ENDOCRINE, EXOCRINE, AUTONOMIC, AND HEMATOLOGIC ABNORMALITIES. Identifiers: Orphanet 686495, MedGen C5436579, MONDO:0033561, OMIM 619004.

Allele frequency attached by ClinVar (database versions not stated): gnomAD exomes below 0.00001; ExAC 0.00001.
gnomAD v4.1: 3 of 1,614,212 alleles (0.00019%); highest among the groups gnomAD compares: Non-Finnish European, 0.00017%; no homozygotes.

Submission:

Greenwood Genetic Center Diagnostic Laboratories, Greenwood Genetic Center
Classification: Likely pathogenic for Deeah syndrome. Last evaluated: 2021-04-12. Review status: criteria provided, single submitter. Criteria: ACMG Guidelines, 2015. Collection method: clinical testing. Allele origin: germline. Affected: yes.
Comment: PVS1, PM2

NM_001376571.1(MADD):c.310C>T (p.Arg104Ter)

Gene: MADD (MAP kinase activating death domain; plus strand). Cytogenetic location: 11p11.2.
Variant type: single nucleotide variant.
Coding change: c.310C>T on transcript NM_001376571.1 (MANE Select); coding-DNA position 310, C replaced by T.
Protein change: p.Arg104Ter; replaces arginine 104 with a stop codon.
Molecular consequence: nonsense. On other transcripts: non-coding transcript variant (8), intron variant (1).
Genome position (GRCh38, 1-based): chr11:47,274,810, C>T. VCF-style: chr11-47274810-C-T. GRCh37 (hg19) VCF-style: chr11-47296361-C-T.
Other names: c.310C>T, p.Arg104Ter (NM_001376639.1, NM_001376640.1, NM_001376641.1 and 80 more transcripts); c.106C>T, p.Arg36Ter (NM_001376644.1, NM_001376646.1, NM_001376647.1 and 9 more transcripts); c.-7-1089C>T (NM_001376663.1); short protein forms R104*, R36*.
Identifiers: ClinVar variation 1334762 (VCV001334762.4), dbSNP rs766120355, ClinGen allele CA5973838.